The following is an entry in ClinVar:

ClinVar aggregate classification (germline): Likely pathogenic (1 of 4 stars; one submission).

Submission:

Dasa
Classification: Likely pathogenic. Last evaluated: 2026-03-30. Review status: criteria provided, single submitter. Criteria: DASA Assertion Criteria. Collection method: clinical testing. Allele origin: germline.
Comment: NM_024598.4(USB1):c.99-2A>C affects a canonical splice site and is predicted to disrupt normal RNA splicing. Loss of function is an established disease mechanism for USB1-associated disorders. Also, this variant is rare in population databases. Based on the currently available evidence, this variant is classified as likely pathogenic.

NM_024598.4(USB1):c.99-2A>C

Gene: USB1 (U6 snRNA biogenesis phosphodiesterase 1; plus strand). Cytogenetic location: 16q21.
Variant type: single nucleotide variant.
Coding change: c.99-2A>C on transcript NM_024598.4 (MANE Select); the canonical splice acceptor site of the intron before coding-DNA position 99, A replaced by C.
Molecular consequence: splice acceptor variant.
Genome position (GRCh38, 1-based): chr16:58,002,477, A>C. VCF-style: chr16-58002477-A-C. GRCh37 (hg19) VCF-style: chr16-58036381-A-C.
Other names: c.-55-2A>C (NM_001330568.2); c.99-2A>C (NM_001195302.2, NM_001204911.2, NM_001330569.2).
Identifiers: ClinVar variation 4883992 (VCV004883992.2).
Genomic context (GRCh38, chr16:58,002,477, plus strand): 5'-TATACAAAGGTAGAGAATGCTAACAGGATAAATGTACTCATTTTTCTTTTTTTCTTTTGC[A>C]GTGGCCAGAGCCCCCTTCCCAGGCAGAGATTTCCAGTACCTGACAGTGTGCTGAACATGT-3'